The following is an entry in ClinVar:

ClinVar aggregate classification (germline): Likely benign. Review status: criteria provided, multiple submitters, no conflicts (2 of 4 stars). 3 submissions from 3 submitters: Likely benign (2). 1 of the submissions does not count toward it. Last evaluated 2025-04-24.

Conditions:
SCN10A-related disorder. Also called: SCN10A-related condition.
Brugada syndrome. Also called: Sudden Unexplained Death Syndrome; Sudden Unexplained Nocturnal Death Syndrome (SUNDS); Sudden unexpected nocturnal death syndrome; Sudden unexplained nocturnal death syndrome. Identifiers: Orphanet 130, MedGen C1142166, MONDO:0015263.
Cardiovascular phenotype. Identifiers: MedGen CN230736.

Allele frequency attached by ClinVar (database versions not stated): gnomAD below 0.00001 and 0.00001; TOPMed 0.00001; ExAC 0.00017; gnomAD exomes 0.00017.
gnomAD v4.1: 136 of 1,614,190 alleles (0.0084%); highest among the groups gnomAD compares: South Asian, 0.15%; 5 homozygotes.

Submissions (3):

Labcorp Genetics (formerly Invitae), Labcorp
Classification: Likely benign for Brugada syndrome. Last evaluated: 2025-04-24. Review status: criteria provided, single submitter. Criteria: Invitae Variant Classification Sherloc (09022015). Collection method: clinical testing. Allele origin: germline.

Ambry Genetics
Classification: Likely benign for Cardiovascular phenotype. Last evaluated: 2020-01-30. Review status: criteria provided, single submitter. Criteria: Ambry Variant Classification Scheme 2023. Collection method: clinical testing. Allele origin: germline.

PreventionGenetics, part of Exact Sciences
Classification: Likely benign for SCN10A-related condition. Last evaluated: 2022-05-10. Review status: no assertion criteria provided. Collection method: clinical testing. Allele origin: germline. Not counted in ClinVar's aggregate classification.
Comment: This variant is classified as likely benign based on ACMG/AMP sequence variant interpretation guidelines (Richards et al. 2015 PMID: 25741868, with internal and published modifications).

NM_006514.4(SCN10A):c.3887G>T (p.Ser1296Ile)

Gene: SCN10A (sodium voltage-gated channel alpha subunit 10; minus strand). Cytogenetic location: 3p22.2.
Variant type: single nucleotide variant.
Coding change: c.3887G>T on transcript NM_006514.4 (MANE Select); coding-DNA position 3887, G replaced by T.
Protein change: p.Ser1296Ile; replaces serine 1296 with isoleucine.
Molecular consequence: missense variant.
Genome position (GRCh38, 1-based): chr3:38,712,363, C>A on the plus strand (G>T on the coding strand, the complement: SCN10A is on the minus strand). VCF-style: chr3-38712363-C-A. GRCh37 (hg19) VCF-style: chr3-38753854-C-A.
Other names: c.3884G>T, p.Ser1295Ile (NM_001293306.2); c.3593G>T, p.Ser1198Ile (NM_001293307.2); short protein forms S1198I, S1295I, S1296I.
Identifiers: ClinVar variation 698067 (VCV000698067.13), dbSNP rs779527264, ClinGen allele CA2320075.